The following is an entry in ClinVar:

ClinVar aggregate classification (germline): Conflicting classifications of pathogenicity. Review status: criteria provided, conflicting classifications (1 of 4 stars). 4 submissions from 4 submitters: Uncertain significance (1); Likely benign (3). Last evaluated 2025-08-28.

Conditions:
Cardiovascular phenotype. Identifiers: MedGen CN230736.
Hypertrophic cardiomyopathy. Also called: HYPERTROPHIC MYOCARDIOPATHY. Identifiers: Orphanet 217569, MedGen C0007194, MeSH D002312, MONDO:0005045, HP:0001639.

Allele frequency attached by ClinVar (database versions not stated): gnomAD exomes below 0.00001; TOPMed 0.00001.

Submissions (4):

Ambry Genetics
Classification: Likely benign for Cardiovascular phenotype. Last evaluated: 2025-08-28. Review status: criteria provided, single submitter. Criteria: Ambry Variant Classification Scheme 2023. Collection method: clinical testing. Allele origin: germline.

Labcorp Genetics (formerly Invitae), Labcorp
Classification: Likely benign for Hypertrophic cardiomyopathy. Last evaluated: 2025-02-19. Review status: criteria provided, single submitter. Criteria: Invitae Variant Classification Sherloc (09022015). Collection method: clinical testing. Allele origin: germline.

All of Us Research Program, National Institutes of Health
Classification: Uncertain significance for Hypertrophic cardiomyopathy. Last evaluated: 2023-08-08. Review status: criteria provided, single submitter. Criteria: ACMG Guidelines, 2015. Collection method: clinical testing. Allele origin: germline. Inheritance: Autosomal dominant inheritance. Observed: 1 variant allele, 1 heterozygote.
Comment: This synonymous variant causes a nucleotide substitution but does not change the encoded amino acid at codon 547 of the MYBPC3 protein. To our knowledge, functional studies have not been reported for this variant. This variant has been reported in an individual affected with hypertrophic cardiomyopathy (PMID: 32841044). This variant has not been identified in the general population by the Genome Aggregation Database (gnomAD). The available evidence is insufficient to determine the role of this variant in disease conclusively. Therefore, this variant is classified as a Variant of Uncertain Significance.

This study involves interpretation of variants in research participants for the purpose of population health screening. Participant phenotype was not available at the time of variant classification. Additional details can be found in publication PMID: 35346344, PMCID: PMC8962531

Laboratory for Molecular Medicine, Mass General Brigham Personalized Medicine
Classification: Likely benign. Last evaluated: 2010-12-28. Review status: criteria provided, single submitter. Criteria: LMM Criteria. Collection method: clinical testing. Allele origin: germline. Observed: 1 variant allele.
Comment: This variant is not expected to have clinical significance because it does not a lter an amino acid residue and is not located near a splice junction.

Literature cited by the submitters: PubMed 32841044 (cited by All of Us Research Program, National Institutes of Health).

NM_000256.3(MYBPC3):c.1641G>A (p.Val547=)

Gene: MYBPC3 (myosin binding protein C3; minus strand). Cytogenetic location: 11p11.2.
Variant type: single nucleotide variant.
Coding change: c.1641G>A on transcript NM_000256.3 (MANE Select); coding-DNA position 1641, G replaced by A.
Protein change: p.Val547=; no amino-acid change (valine 547 retained).
Molecular consequence: synonymous variant.
Genome position (GRCh38, 1-based): chr11:47,342,140, C>T on the plus strand (G>A on the coding strand, the complement: MYBPC3 is on the minus strand). VCF-style: chr11-47342140-C-T. GRCh37 (hg19) VCF-style: chr11-47363691-C-T.
Identifiers: ClinVar variation 42555 (VCV000042555.8), dbSNP rs397515915, ClinGen allele CA010844.